The following is an entry in ClinVar:

ClinVar aggregate classification (germline): Likely benign. Review status: criteria provided, multiple submitters, no conflicts (2 of 4 stars). 2 submissions from 2 submitters: Likely benign (2). Last evaluated 2026-06-28.

Conditions:
ODAD3-related disorder. Also called: ODAD3-related condition.
Primary ciliary dyskinesia 30. Also called: CILIARY DYSKINESIA, PRIMARY, 30, WITH OR WITHOUT SITUS INVERSUS. Identifiers: Orphanet 244, MedGen C4015016, MONDO:0014465, OMIM 616037.

Allele frequency attached by ClinVar (database versions not stated): gnomAD exomes below 0.00001.
gnomAD v4.1: 1 of 1,610,592 alleles (0.000062%); highest among the groups gnomAD compares: Non-Finnish European, 0.000085%; no homozygotes.

Submissions (2):

PreventionGenetics, part of Exact Sciences
Classification: Likely benign for ODAD3-related condition. Last evaluated: 2026-06-28. Review status: criteria provided, single submitter. Criteria: ACMG Guidelines, 2015. Collection method: clinical testing. Allele origin: germline.
Comment: This variant is classified as likely benign based on ACMG/AMP sequence variant interpretation guidelines (Richards et al. 2015 PMID: 25741868, with internal and published modifications).

Labcorp Genetics (formerly Invitae), Labcorp
Classification: Likely benign for Primary ciliary dyskinesia 30. Last evaluated: 2019-06-25. Review status: criteria provided, single submitter. Criteria: Invitae Variant Classification Sherloc (09022015). Collection method: clinical testing. Allele origin: germline.

NM_145045.5(ODAD3):c.1185C>T (p.Asn395=)

Gene: ODAD3 (outer dynein arm docking complex subunit 3; minus strand). Cytogenetic location: 19p13.2.
Variant type: single nucleotide variant.
Coding change: c.1185C>T on transcript NM_145045.5 (MANE Select); coding-DNA position 1185, C replaced by T.
Protein change: p.Asn395=; no amino-acid change (asparagine 395 retained).
Molecular consequence: synonymous variant.
Genome position (GRCh38, 1-based): chr19:11,422,793, G>A on the plus strand (C>T on the coding strand, the complement: ODAD3 is on the minus strand). VCF-style: chr19-11422793-G-A. GRCh37 (hg19) VCF-style: chr19-11533461-G-A.
Other names: c.1023C>T, p.Asn341= (NM_001302453.1); c.1005C>T, p.Asn335= (NM_001302454.2).
Identifiers: ClinVar variation 704147 (VCV000704147.11), dbSNP rs1599453142, ClinGen allele CA505749499.